The following is an entry in ClinVar:

NM_001130823.3(DNMT1):c.1342G>A (p.Glu448Lys)

Gene: DNMT1 (DNA methyltransferase 1; minus strand). Cytogenetic location: 19p13.2.
Variant type: single nucleotide variant.
Coding change: c.1342G>A on transcript NM_001130823.3 (MANE Select); coding-DNA position 1342, G replaced by A.
Protein change: p.Glu448Lys; replaces glutamic acid 448 with lysine.
Molecular consequence: missense variant.
Genome position (GRCh38, 1-based): chr19:10,156,448, C>T on the plus strand (G>A on the coding strand, the complement: DNMT1 is on the minus strand). VCF-style: chr19-10156448-C-T. GRCh37 (hg19) VCF-style: chr19-10267124-C-T.
Other names: c.1294G>A, p.Glu432Lys (NM_001318730.2, NM_001379.4); c.979G>A, p.Glu327Lys (NM_001318731.2); short protein forms E432K, E448K, E327K.
Identifiers: ClinVar variation 2957257 (VCV002957257.3), dbSNP rs751093624, ClinGen allele CA9188316.
Genomic context (GRCh38, chr19:10,156,448, plus strand): 5'-TACCTTCAAGAGATGGGTCATCATCATAGATTGGTTTTGCTGAACCAGAAAAGAAGAGTT[C>T]GATATTCTTCTCGATGAGGCCGGTGTCGATGGGACACAGGTGACCGTGCTTACAGTACAC-3'
Protein context (NP_001124295.1, residues 438-458): IDTGLIEKNI[Glu448Lys]LFFSGSAKPI

ClinVar aggregate classification (germline): Uncertain significance (1 of 4 stars; one submission).

Conditions:
Hereditary sensory neuropathy-deafness-dementia syndrome. Also called: Hereditary sensory neuropathy type IE; NEUROPATHY, HEREDITARY SENSORY, WITH HEARING LOSS AND DEMENTIA; Hereditary Sensory and Autonomic Neuropathy Type 1E (HSAN1E); HSN IE. Identifiers: Orphanet 456318, MedGen C3279885, MONDO:0013584, OMIM 614116.

Allele frequency attached by ClinVar (database versions not stated): ExAC 0.00001.

Submission:

Labcorp Genetics (formerly Invitae), Labcorp
Classification: Uncertain significance for Hereditary sensory neuropathy-deafness-dementia syndrome. Last evaluated: 2024-10-24. Review status: criteria provided, single submitter. Criteria: Invitae Variant Classification Sherloc (09022015). Collection method: clinical testing. Allele origin: germline.
Comment: This sequence change replaces glutamic acid, which is acidic and polar, with lysine, which is basic and polar, at codon 448 of the DNMT1 protein (p.Glu448Lys). This variant is present in population databases (rs751093624, gnomAD 0.007%). This variant has not been reported in the literature in individuals affected with DNMT1-related conditions. Invitae Evidence Modeling of protein sequence and biophysical properties (such as structural, functional, and spatial information, amino acid conservation, physicochemical variation, residue mobility, and thermodynamic stability) indicates that this missense variant is not expected to disrupt DNMT1 protein function with a negative predictive value of 80%. In summary, the available evidence is currently insufficient to determine the role of this variant in disease. Therefore, it has been classified as a Variant of Uncertain Significance.